The following is an entry in ClinVar:

NM_001142800.2(EYS):c.4665_4666del (p.Ala1557fs)

Gene: EYS (EGF-like photoreceptor maintenance factor; minus strand). Cytogenetic location: 6q12.
Variant type: Deletion.
Coding change: c.4665_4666del on transcript NM_001142800.2 (MANE Select); coding-DNA positions 4665 to 4666, 2 bases deleted (AT; older notation c.4665_4666delAT).
Protein change: p.Ala1557fs; shifts the reading frame from alanine 1557.
Molecular consequence: frameshift variant.
Genome position (GRCh38, 1-based): chr6:64,591,201-64,591,202, AT deleted on the plus strand (AT on the coding strand, the reverse complement: EYS is on the minus strand). VCF-style (leftmost placement, unchanged base first): chr6-64591200-CAT-C. GRCh37 (hg19) VCF-style: chr6-65301093-CAT-C.
Other names: c.4665_4666delAT (NM_001142800.1); c.4665_4666del, p.Ala1557fs (NM_001292009.2); short protein forms A1557fs.
Identifiers: ClinVar variation 2675252 (VCV002675252.6), dbSNP rs1180060216, ClinGen allele CA568119132.

ClinVar aggregate classification (germline): Pathogenic/Likely pathogenic. Review status: criteria provided, multiple submitters, no conflicts (2 of 4 stars). 4 submissions from 4 submitters: Pathogenic (1); Likely pathogenic (3). Last evaluated 2025-04-14.

Conditions:
Retinitis pigmentosa 25 (RP25). Identifiers: Orphanet 791, MedGen C1864446, MONDO:0011272, OMIM 602772.
EYS-related disorder. Also called: EYS-related condition.

Allele frequency attached by ClinVar (database versions not stated): gnomAD 0.00001; TOPMed 0.00001.

Submissions (4):

Labcorp Genetics (formerly Invitae), Labcorp
Classification: Pathogenic. Last evaluated: 2025-04-14. Review status: criteria provided, single submitter. Criteria: Invitae Variant Classification Sherloc (09022015). Collection method: clinical testing. Allele origin: germline.
Comment: This sequence change creates a premature translational stop signal (p.Ala1557Asnfs*6) in the EYS gene. It is expected to result in an absent or disrupted protein product. Loss-of-function variants in EYS are known to be pathogenic (PMID: 18836446, 20333770). This variant is present in population databases (no rsID available, gnomAD 0.01%). This variant has not been reported in the literature in individuals affected with EYS-related conditions. ClinVar contains an entry for this variant (Variation ID: 2675252). For these reasons, this variant has been classified as Pathogenic.

Natera, Inc.
Classification: Likely pathogenic for Retinitis pigmentosa type 25. Last evaluated: 2024-03-25. Review status: criteria provided, single submitter. Criteria: Natera Variant Classification Schema (03/2026). Collection method: clinical testing. Allele origin: germline.
Comment: The c.4665_4666delAT variant in EYS is a frameshift variant predicted to shift the reading frame beginning at codon 1557 and leads to a stop codon 6 codons downstream. This variant is expected to result in nonsense mediated decay, truncation, or a dysfunctional protein product. This variant is rare in the general population with a frequency below the threshold expected for the associated phenotype(s). Given the available evidence, this variant is classified as Likely Pathogenic.

Baylor Genetics
Classification: Likely pathogenic for Retinitis pigmentosa 25. Last evaluated: 2023-08-26. Review status: criteria provided, single submitter. Criteria: ACMG Guidelines, 2015. Collection method: clinical testing. Allele origin: unknown.

Blueprint Genetics
Classification: Likely pathogenic for EYS-related disorders. Last evaluated: 2021-08-09. Review status: criteria provided, single submitter. Criteria: ACMG Guidelines, 2015. Collection method: clinical testing. Allele origin: germline. Affected: yes. Observed: 1 variant allele.

Literature cited by the submitters: PubMed 18836446 (cited by Labcorp Genetics (formerly Invitae), Labcorp); PubMed 20333770 (cited by Labcorp Genetics (formerly Invitae), Labcorp).